The following is an entry in ClinVar:

NM_000277.3(PAH):c.1303G>A (p.Asp435Asn)

Gene: PAH (phenylalanine hydroxylase; minus strand). Cytogenetic location: 12q23.2.
Variant type: single nucleotide variant.
Coding change: c.1303G>A on transcript NM_000277.3 (MANE Select); coding-DNA position 1303, G replaced by A.
Protein change: p.Asp435Asn; replaces aspartic acid 435 with asparagine.
Molecular consequence: missense variant.
Genome position (GRCh38, 1-based): chr12:102,840,412, C>T on the plus strand (G>A on the coding strand, the complement: PAH is on the minus strand). VCF-style: chr12-102840412-C-T. GRCh37 (hg19) VCF-style: chr12-103234190-C-T.
Other names: c.1303G>A, p.Asp435Asn (NM_001354304.2); short protein forms D435N.
Identifiers: ClinVar variation 3385149 (VCV003385149.1).

ClinVar aggregate classification (germline): Uncertain significance (1 of 4 stars; one submission).

Submission:

Women's Health and Genetics/Laboratory Corporation of America, LabCorp
Classification: Uncertain significance. Last evaluated: 2024-10-22. Review status: criteria provided, single submitter. Criteria: LabCorp Variant Classification Summary - May 2015. Collection method: clinical testing. Allele origin: germline.
Comment: Variant summary: PAH c.1303G>A (p.Asp435Asn) results in a conservative amino acid change in the encoded protein sequence. Three of five in-silico tools predict a benign effect of the variant on protein function. The variant was absent in 251440 control chromosomes (gnomAD). The available data on variant occurrences in the general population are insufficient to allow any conclusion about variant significance. c.1303G>A has been reported in the literature in a cohort of individuals affected with Phenylalanine Hydroxylase Deficiency (Phenylketonuria), however no further details were provided (Yan_2019). These report(s) do not provide unequivocal conclusions about association of the variant with Phenylalanine Hydroxylase Deficiency (Phenylketonuria). To our knowledge, no experimental evidence demonstrating an impact on protein function has been reported. A different missense affecting the same amino acid (p.Asp435Val), have been reported in affected individuals (HGMD), and been classified as Likely pathogenic in ClinVar [Variation ID 625291], suggesting that this residue might be functionally important. The following publication have been ascertained in the context of this evaluation (PMID: 30747360). No submitters have cited clinical-significance assessments for this variant to ClinVar. Based on the evidence outlined above, the variant was classified as uncertain significance.

Literature cited by the submitters: PubMed 30747360.